The following is an entry in ClinVar:

NM_001145678.3(KIAA0825):c.3117T>C (p.Ser1039=)

Gene: KIAA0825 (KIAA0825; minus strand). Cytogenetic location: 5q15.
Variant type: single nucleotide variant.
Coding change: c.3117T>C on transcript NM_001145678.3 (MANE Select); coding-DNA position 3117, T replaced by C.
Protein change: p.Ser1039=; no amino-acid change (serine 1039 retained).
Molecular consequence: synonymous variant. On other transcripts: non-coding transcript variant (1).
Genome position (GRCh38, 1-based): chr5:94,396,280, A>G on the plus strand (T>C on the coding strand, the complement: KIAA0825 is on the minus strand). VCF-style: chr5-94396280-A-G. GRCh37 (hg19) VCF-style: chr5-93731985-A-G.
Other names: c.3132T>C, p.Ser1044= (NM_001385712.1, NM_001385713.1, NM_001388325.1).
Identifiers: ClinVar variation 1300065 (VCV001300065.4), dbSNP rs308207, ClinGen allele CA3344001.

ClinVar aggregate classification (germline): Benign. Review status: criteria provided, single submitter (1 of 4 stars). 2 submissions from 2 submitters: Benign (1). 1 of the submissions does not count toward it. Last evaluated 2021-08-19.

Conditions:
Polydactyly, postaxial, type a10. Identifiers: MedGen C5193129, MONDO:0032785, OMIM 618498.
KIAA0825-related disorder. Also called: KIAA0825-related condition.

Allele frequency attached by ClinVar (database versions not stated): gnomAD exomes 0.92767 and 0.93708; ExAC 0.93519; gnomAD 0.94179 and 0.94282; ESP Exome Variant Server 0.94350; TOPMed 0.94869; 1000 Genomes Project 30x 0.96408.
gnomAD v4.1: 1,441,712 of 1,551,326 alleles (93%); highest among the groups gnomAD compares: East Asian, 100%; 670,308 homozygotes.

Submissions (2):

Genome-Nilou Lab
Classification: Benign for Polydactyly, postaxial, type a10. Last evaluated: 2021-08-19. Review status: criteria provided, single submitter. Criteria: ACMG Guidelines, 2015. Collection method: clinical testing. Allele origin: germline. Affected: no.

PreventionGenetics, part of Exact Sciences
Classification: Benign for KIAA0825-related condition. Last evaluated: 2019-10-29. Review status: no assertion criteria provided. Collection method: clinical testing. Allele origin: germline. Not counted in ClinVar's aggregate classification.
Comment: This variant is classified as benign based on ACMG/AMP sequence variant interpretation guidelines (Richards et al. 2015 PMID: 25741868, with internal and published modifications).